The following is an entry in ClinVar:

NM_000540.3(RYR1):c.12783G>C (p.Glu4261Asp)

Gene: RYR1 (ryanodine receptor 1; plus strand). Cytogenetic location: 19q13.2.
Variant type: single nucleotide variant.
Coding change: c.12783G>C on transcript NM_000540.3 (MANE Select); coding-DNA position 12783, G replaced by C.
Protein change: p.Glu4261Asp; replaces glutamic acid 4261 with aspartic acid.
Molecular consequence: missense variant.
Genome position (GRCh38, 1-based): chr19:38,565,117, G>C. VCF-style: chr19-38565117-G-C. GRCh37 (hg19) VCF-style: chr19-39055757-G-C.
Other names: c.12768G>C, p.Glu4256Asp (NM_001042723.2); short protein forms E4261D, E4256D.
Identifiers: ClinVar variation 2885574 (VCV002885574.3), dbSNP rs2514675258, ClinGen allele CA405671145.

ClinVar aggregate classification (germline): Uncertain significance (1 of 4 stars; one submission).

Conditions:
RYR1-related disorder. Also called: RYR1-related condition; RYR1-related disorders. Identifiers: MedGen CN239331.

Submission:

Labcorp Genetics (formerly Invitae), Labcorp
Classification: Uncertain significance for RYR1-related disorder. Last evaluated: 2023-04-11. Review status: criteria provided, single submitter. Criteria: Invitae Variant Classification Sherloc (09022015). Collection method: clinical testing. Allele origin: germline.
Comment: In summary, the available evidence is currently insufficient to determine the role of this variant in disease. Therefore, it has been classified as a Variant of Uncertain Significance. This sequence change replaces glutamic acid, which is acidic and polar, with aspartic acid, which is acidic and polar, at codon 4261 of the RYR1 protein (p.Glu4261Asp). This variant is not present in population databases (gnomAD no frequency). This variant has not been reported in the literature in individuals affected with RYR1-related conditions. Advanced modeling of protein sequence and biophysical properties (such as structural, functional, and spatial information, amino acid conservation, physicochemical variation, residue mobility, and thermodynamic stability) performed at Invitae indicates that this missense variant is not expected to disrupt RYR1 protein function.